The following is an entry in ClinVar:

ClinVar aggregate classification (germline): Uncertain significance (1 of 4 stars; one submission).

Conditions:
Joubert syndrome. Also called: JOUBERT-BOLTSHAUSER SYNDROME; Familial aplasia of the vermis. Identifiers: Orphanet 475, MedGen C5979921, MONDO:0018772.
Meckel-Gruber syndrome. Also called: DYSENCEPHALIA SPLANCHNOCYSTICA; GRUBER SYNDROME; Dysencephalia splachnocystica. Identifiers: Orphanet 564, MedGen C0265215, MONDO:0018921.

Allele frequency attached by ClinVar (database versions not stated): gnomAD exomes below 0.00001.
gnomAD v4.1: 1 of 1,613,478 alleles (0.000062%); highest among the groups gnomAD compares: Non-Finnish European, 0.000085%; no homozygotes.

Submission:

Labcorp Genetics (formerly Invitae), Labcorp
Classification: Uncertain significance for Joubert syndrome; Meckel-Gruber syndrome. Last evaluated: 2025-02-10. Review status: criteria provided, single submitter. Criteria: Invitae Variant Classification Sherloc (09022015). Collection method: clinical testing. Allele origin: germline.
Comment: This sequence change replaces aspartic acid, which is acidic and polar, with alanine, which is neutral and non-polar, at codon 399 of the CC2D2A protein (p.Asp399Ala). This variant is not present in population databases (gnomAD no frequency). This variant has not been reported in the literature in individuals affected with CC2D2A-related conditions. ClinVar contains an entry for this variant (Variation ID: 1438283). Invitae Evidence Modeling of protein sequence and biophysical properties (such as structural, functional, and spatial information, amino acid conservation, physicochemical variation, residue mobility, and thermodynamic stability) indicates that this missense variant is not expected to disrupt CC2D2A protein function with a negative predictive value of 95%. In summary, the available evidence is currently insufficient to determine the role of this variant in disease. Therefore, it has been classified as a Variant of Uncertain Significance.

NM_001378615.1(CC2D2A):c.1196A>C (p.Asp399Ala)

Genes: CC2D2A (coiled-coil and C2 domain containing 2A; plus strand), FBXL5 (F-box and leucine rich repeat protein 5; minus strand). Cytogenetic location: 4p15.32.
Variant type: single nucleotide variant.
Coding change: c.1196A>C on transcript NM_001378615.1 (MANE Select); coding-DNA position 1196, A replaced by C.
Protein change: p.Asp399Ala; replaces aspartic acid 399 with alanine.
Molecular consequence: missense variant.
Genome position (GRCh38, 1-based): chr4:15,527,493, A>C. VCF-style: chr4-15527493-A-C. GRCh37 (hg19) VCF-style: chr4-15529116-A-C.
Other names: c.1196A>C, p.Asp399Ala (NM_001080522.2); c.1049A>C, p.Asp350Ala (NM_001378617.1); short protein forms D399A, D350A.
Identifiers: ClinVar variation 1438283 (VCV001438283.4), dbSNP rs2109024009, ClinGen allele CA356410206.